The following is an entry in ClinVar:

NM_000275.3(OCA2):c.1660T>C (p.Trp554Arg)

Gene: OCA2 (OCA2 melanosomal transmembrane protein; minus strand). Cytogenetic location: 15q13.1.
Variant type: single nucleotide variant.
Coding change: c.1660T>C on transcript NM_000275.3 (MANE Select); coding-DNA position 1660, T replaced by C.
Protein change: p.Trp554Arg; replaces tryptophan 554 with arginine.
Molecular consequence: missense variant.
Genome position (GRCh38, 1-based): chr15:27,957,712, A>G on the plus strand (T>C on the coding strand, the complement: OCA2 is on the minus strand). VCF-style: chr15-27957712-A-G. GRCh37 (hg19) VCF-style: chr15-28202858-A-G.
Other names: c.1588T>C, p.Trp530Arg (NM_001300984.2); short protein forms W554R, W530R.
Identifiers: ClinVar variation 438059 (VCV000438059.5), dbSNP rs1384042381, ClinGen allele CA391366018.

ClinVar aggregate classification (germline): Likely pathogenic. Review status: criteria provided, multiple submitters, no conflicts (2 of 4 stars). 4 submissions from 4 submitters: Likely pathogenic (3). 1 of the submissions does not count toward it. Last evaluated 2025-09-05.

Conditions:
OCA2-related disorder. Also called: OCA2-related condition.
Tyrosinase-positive oculocutaneous albinism (OCA2). Also called: Albinism, oculocutaneous, type II; Oculocutaneous albinism type 2; ALBINISM II. Identifiers: Orphanet 79432, MedGen C0268495, MONDO:0008746, OMIM 203200.
SKIN/HAIR/EYE PIGMENTATION 1, BLUE/NONBLUE EYES (SHEP1). Also called: SKIN/HAIR/EYE PIGMENTATION 1, BLOND/BROWN HAIR; SKIN/HAIR/EYE PIGMENTATION 1, BLUE/BROWN EYES; BROWN EYE COLOR 2; EYE COLOR 3; EYE COLOR, BLUE/NONBLUE; EYE COLOR, BROWN/BLUE. Identifiers: MedGen C1856895, OMIM 227220.
Albinism. Identifiers: MedGen C0001916, MONDO:0043209, HP:0001022.

Allele frequency attached by ClinVar (database versions not stated): gnomAD 0.00001; TOPMed 0.00001.
gnomAD v4.1: 1 of 1,613,072 alleles (0.000062%); highest among the groups gnomAD compares: African/African-American, 0.0013%; no homozygotes.

Submissions (4):

PreventionGenetics, part of Exact Sciences
Classification: Likely pathogenic for OCA2-related condition. Last evaluated: 2025-09-05. Review status: criteria provided, single submitter. Criteria: ACMG Guidelines, 2015. Collection method: clinical testing. Allele origin: germline.
Comment: The OCA2 c.1660T>C variant is predicted to result in the amino acid substitution p.Trp554Arg. This variant has been reported in an individual with oculocutaneous albinism (Table S2, Carss et al. 2017. PubMed ID: 28041643) and in an individual with inherited retinal disease (Table S1, Lin et al. 2024. PubMed ID: 38219857). In both studies another OCA2 variant (c.2339G>A, p.Gly780Asp), which is classified as likely pathogenic or pathogenic in ClinVar, was reported in both individuals, but the phase of the variants was not provided (Table S2, Carss et al. 2017. PubMed ID: 28041643; Table S1, Lin et al. 2024. PubMed ID: 38219857). This variant has not been reported in a large population database (gnomAD), indicating this variant is rare. Given the evidence, this variant is interpreted as likely pathogenic.

Fulgent Genetics
Classification: Likely pathogenic for Tyrosinase-positive oculocutaneous albinism; SKIN/HAIR/EYE PIGMENTATION 1, BLUE/NONBLUE EYES. Last evaluated: 2024-04-03. Review status: criteria provided, single submitter. Criteria: ACMG Guidelines, 2015. Collection method: clinical testing. Allele origin: germline.

GeneDx
Classification: Likely pathogenic. Last evaluated: 2023-08-16. Review status: criteria provided, single submitter. Criteria: GeneDx Variant Classification Process June 2021. Collection method: clinical testing. Allele origin: germline. Affected: yes.
Comment: Not observed at significant frequency in large population cohorts (gnomAD); In silico analysis supports that this missense variant has a deleterious effect on protein structure/function; This variant is associated with the following publications: (PMID: 32581362, 28041643)

NIHR Bioresource Rare Diseases, University of Cambridge
Classification: Likely pathogenic for Albinism. Last evaluated: 2015-01-01. Review status: no assertion criteria provided. Collection method: research. Allele origin: unknown. Affected: yes. Observed: 1 variant allele. Not counted in ClinVar's aggregate classification.

Literature cited by the submitters: PubMed 28041643 (cited by NIHR Bioresource Rare Diseases, University of Cambridge).